The following is an entry in ClinVar:

NM_005629.4(SLC6A8):c.634G>T (p.Glu212Ter)

Gene: SLC6A8 (solute carrier family 6 member 8; plus strand). Cytogenetic location: Xq28.
Variant type: single nucleotide variant.
Coding change: c.634G>T on transcript NM_005629.4 (MANE Select); coding-DNA position 634, G replaced by T.
Protein change: p.Glu212Ter; replaces glutamic acid 212 with a stop codon.
Molecular consequence: nonsense.
Genome position (GRCh38, 1-based): chrX:153,691,543, G>T. VCF-style: chrX-153691543-G-T. GRCh37 (hg19) VCF-style: chrX-152956998-G-T.
Other names: NM_001142805.2:c.634G>T; c.634G>T, p.Glu212Ter (NM_001142805.2); c.289G>T, p.Glu97Ter (NM_001142806.1); short protein forms E212*, E97*.
Identifiers: ClinVar variation 2446445 (VCV002446445.1), dbSNP rs2522156636, ClinGen allele CA415079466.

ClinVar aggregate classification (germline): Pathogenic (3 of 4 stars; one submission).

Conditions:
Creatine transporter deficiency (CCDS1). Also called: Mental retardation , X-linked with seizures, short stature and midface hypoplasia; Mental retardation , X-linked, with creatine transport deficiency; X-linked creatine transporter deficiency; X-linked creatine deficiency syndrome; SLC6A8-Related Creatine Transporter Deficiency; CREATINE TRANSPORTER DEFECT. Identifiers: Orphanet 52503, MedGen C1845862, MONDO:0010305, OMIM 300352.

Submission:

ClinGen Cerebral Creatine Deficiency Syndromes Variant Curation Expert Panel, ClinGen
Classification: Pathogenic for Creatine transporter deficiency. Last evaluated: 2023-03-09. Review status: reviewed by expert panel. Criteria: ClinGen_CCDS_ACMG_Specifications_SLC6A8_v1.1. Collection method: curation. Allele origin: germline. Inheritance: X-linked inheritance.
Comment: The NM_005629.4:c.634G>T (p.Glu212Ter) variant in SLC6A8 is a nonsense variant predicted to cause a premature stop codon in biologically-relevant-exon 3/13, leading to nonsense mediated decay in a gene in which loss-of-function is an established disease mechanism (PVS1). The variant is absent in gnomAD v2.1.1. (PM2_Supporting). In summary, this variant meets the citeria to be classified as pathogenic for creatine transporter deficiency. SLC6A8-specific crietria met, as specified by the ClinGen CCDS VCEP (Specifications Version 1.1.0): PVS1, PP4_Strong, PM2_Supporting. (Classification approved by the ClinGen CCDS VCEP on March 9, 2023)